The following is an entry in ClinVar:

ClinVar aggregate classification (germline): Conflicting classifications of pathogenicity. Review status: criteria provided, conflicting classifications (1 of 4 stars). 6 submissions from 6 submitters: Uncertain significance (4); Likely benign (1). 1 of the submissions does not count toward it. Last evaluated 2024-09-20.

Conditions:
CPLANE1-related disorder. Also called: CPLANE1-related condition.
Orofaciodigital syndrome type 6 (OFD6). Also called: Oral-facial-digital syndrome type 6; Central polydactyly cleft lip/palate or lingual lump and psychomotor retardation; Y-shaped central metacarpal and cerebellar defect; Joubert syndrome with orofacialdigital anomalies; OROFACIODIGITAL SYNDROME VI; OFDS VI. Identifiers: Orphanet 2754, MedGen C2745997, MONDO:0010176, OMIM 277170.
Joubert syndrome 17 (JBTS17). Identifiers: Orphanet 475, MedGen C3553264, MONDO:0013824, OMIM 614615.

Allele frequency attached by ClinVar (database versions not stated): gnomAD exomes 0.00001 and 0.00003; TOPMed 0.00001; gnomAD 0.00002 and 0.00003; ExAC 0.00004.
gnomAD v4.1: 29 of 1,552,110 alleles (0.0019%); highest among the groups gnomAD compares: East Asian, 0.0098%; no homozygotes.

Submissions (6):

3billion
Classification: Likely benign for Joubert syndrome 17; Orofaciodigital syndrome type 6. Last evaluated: 2024-09-20. Review status: criteria provided, single submitter. Criteria: ACMG Guidelines, 2015. Collection method: clinical testing. Allele origin: germline. Affected: no.
Comment: The homozygous variant was found in patients diagnosed with another variant in a different gene, with no symptoms related to the gene containing the homozygous variant.

Labcorp Genetics (formerly Invitae), Labcorp
Classification: Uncertain significance. Last evaluated: 2023-11-27. Review status: criteria provided, single submitter. Criteria: Invitae Variant Classification Sherloc (09022015). Collection method: clinical testing. Allele origin: germline.
Comment: This sequence change replaces valine, which is neutral and non-polar, with phenylalanine, which is neutral and non-polar, at codon 489 of the CPLANE1 protein (p.Val489Phe). This variant is present in population databases (rs372187548, gnomAD 0.03%). This variant has not been reported in the literature in individuals affected with CPLANE1-related conditions. ClinVar contains an entry for this variant (Variation ID: 389974). Advanced modeling of protein sequence and biophysical properties (such as structural, functional, and spatial information, amino acid conservation, physicochemical variation, residue mobility, and thermodynamic stability) performed at Invitae indicates that this missense variant is not expected to disrupt CPLANE1 protein function with a negative predictive value of 95%. In summary, the available evidence is currently insufficient to determine the role of this variant in disease. Therefore, it has been classified as a Variant of Uncertain Significance.

Victorian Clinical Genetics Services, Murdoch Childrens Research Institute
Classification: Uncertain significance for Orofaciodigital syndrome type 6. Last evaluated: 2023-07-17. Review status: criteria provided, single submitter. Criteria: ACMG Guidelines, 2015. Collection method: clinical testing. Allele origin: germline. Inheritance: Autosomal recessive inheritance. Affected: yes.
Comment: Based on the classification scheme VCGS_Germline_v1.3.4, this variant is classified as VUS-3C. Following criteria are met: 0102 - Loss of function is a known mechanism of disease in this gene and is associated with Orofaciodigital syndrome VI (MIM#277170) and Joubert syndrome 17 (MIM#614615). (I) 0106 - This gene is associated with autosomal recessive disease. (I) 0200 - Variant is predicted to result in a missense amino acid change from valine to phenylalanine. (I) 0251 - This variant is heterozygous. (I) 0304 - Variant is present in gnomAD <0.01 for a recessive condition (v2: 5 heterozygotes, 0 homozygotes). (SP) 0504 - Same amino acid change has been observed in placental mammals. (SB) 0604 - Variant is not located in an established domain, motif, hotspot or informative constraint region. (I) 0705 - No comparable missense variants have previous evidence for pathogenicity. (I) 0809 - Previous evidence of pathogenicity for this variant is inconclusive. It has been classified as a VUS by diagnostic laboratories in ClinVar. (I) 0905 - No published segregation evidence has been identified for this variant. (I) 1007 - No published functional evidence has been identified for this variant. (I) Legend: (SP) - Supporting pathogenic, (I) - Information, (SB) - Supporting benign

Fulgent Genetics
Classification: Uncertain significance for Orofaciodigital syndrome type 6; Joubert syndrome 17. Last evaluated: 2022-03-25. Review status: criteria provided, single submitter. Criteria: ACMG Guidelines, 2015. Collection method: clinical testing. Allele origin: unknown.

GeneDx
Classification: Uncertain significance. Last evaluated: 2016-10-19. Review status: criteria provided, single submitter. Criteria: GeneDx Variant Classification (06012015). Collection method: clinical testing. Allele origin: germline. Affected: yes.
Comment: The V489F variant in the C5orf42 gene has not been reported previously as a pathogenic variant, nor as a benign variant, to our knowledge. The V489F variant was not observed in approximately 2300 individuals of European and African American ancestry in the NHLBI Exome Sequencing Project, indicating it is not a common benign variant in these populations. The V489F variant is a semi-conservative amino acid substitution, which may impact secondary protein structure as these residues differ in some properties. However, this substitution occurs at a position that is not conserved across species, and in silico analysis is inconsistent in its predictions as to whether or not the variant is damaging to the protein structure/function. We interpret V489F as a variant of uncertain significance.

PreventionGenetics, part of Exact Sciences
Classification: Uncertain significance for CPLANE1-related condition. Last evaluated: 2024-04-27. Review status: no assertion criteria provided. Collection method: clinical testing. Allele origin: germline. Not counted in ClinVar's aggregate classification.
Comment: The CPLANE1 c.1465G>T variant is predicted to result in the amino acid substitution p.Val489Phe. To our knowledge, this variant has not been reported in the literature. This variant is reported in 0.016% of alleles in individuals of East Asian descent in gnomAD. At this time, the clinical significance of this variant is uncertain due to the absence of conclusive functional and genetic evidence.

NM_001384732.1(CPLANE1):c.1465G>T (p.Val489Phe)

Gene: CPLANE1 (ciliogenesis and planar polarity effector complex subunit 1; minus strand). Cytogenetic location: 5p13.2.
Variant type: single nucleotide variant.
Coding change: c.1465G>T on transcript NM_001384732.1 (MANE Select); coding-DNA position 1465, G replaced by T.
Protein change: p.Val489Phe; replaces valine 489 with phenylalanine.
Molecular consequence: missense variant.
Genome position (GRCh38, 1-based): chr5:37,227,299, C>A on the plus strand (G>T on the coding strand, the complement: CPLANE1 is on the minus strand). VCF-style: chr5-37227299-C-A. GRCh37 (hg19) VCF-style: chr5-37227401-C-A.
Other names: c.1465G>T, p.Val489Phe (NM_023073.4); short protein forms V489F.
Identifiers: ClinVar variation 389974 (VCV000389974.14), dbSNP rs372187548, ClinGen allele CA3239096.